The following is an entry in ClinVar:

NM_004064.5(CDKN1B):c.-9G>A

Gene: CDKN1B (cyclin dependent kinase inhibitor 1B; plus strand). Cytogenetic location: 12p13.1.
Variant type: single nucleotide variant.
Coding change: c.-9G>A on transcript NM_004064.5 (MANE Select); 9 bases upstream of the start codon, G replaced by A.
Molecular consequence: 5 prime UTR variant.
Genome position (GRCh38, 1-based): chr12:12,717,831, G>A. VCF-style: chr12-12717831-G-A. GRCh37 (hg19) VCF-style: chr12-12870765-G-A.
Identifiers: ClinVar variation 1704812 (VCV001704812.3), dbSNP rs202167434, ClinGen allele CA6457353.

ClinVar aggregate classification (germline): Uncertain significance (1 of 4 stars; one submission).

Allele frequency attached by ClinVar (database versions not stated): TOPMed 0.00002; gnomAD 0.00004; 1000 Genomes Project 30x 0.00016; 1000 Genomes Project 0.00020.
gnomAD v4.1: 30 of 1,611,248 alleles (0.0019%); highest among the groups gnomAD compares: East Asian, 0.027%; no homozygotes.

Submission:

GeneDx
Classification: Uncertain significance. Last evaluated: 2024-01-31. Review status: criteria provided, single submitter. Criteria: GeneDx Variant Classification Process June 2021. Collection method: clinical testing. Allele origin: germline. Affected: yes.
Comment: Not observed at significant frequency in large population cohorts (gnomAD); Has not been previously published as pathogenic or benign to our knowledge